The following is an entry in ClinVar:

ClinVar aggregate classification (germline): Likely pathogenic (1 of 4 stars; one submission).

Conditions:
Leprechaunism syndrome. Also called: Donohue syndrome; LEPRECHAUNISM. Identifiers: Orphanet 508, MedGen C0265344, MONDO:0009517, OMIM 246200.
Insulin-resistant diabetes mellitus AND acanthosis nigricans. Also called: DIABETES MELLITUS, INSULIN-RESISTANT, WITH ACANTHOSIS NIGRICANS, TYPE A; type A insulin resistance; Insulin-resistance syndrome type A; INSULIN RECEPTOR, DEFECT IN, WITH INSULIN-RESISTANT DIABETES MELLITUS AND ACANTHOSIS NIGRICANS; IRAN, TYPE A. Identifiers: Orphanet 2297, MedGen C0342278, MONDO:0012520, OMIM 610549.
Hyperinsulinism due to INSR deficiency. Also called: Hyperinsulinism due to glutamodehydrogenase deficiency. Identifiers: Orphanet 263458, MedGen C1864952, MONDO:0012381, OMIM 609968.
Rabson-Mendenhall syndrome. Also called: Pineal hyperplasia AND diabetes mellitus syndrome; MENDENHALL SYNDROME; Pineal Hyperplasia, Insulin-Resistant Diabetes Mellitus, and Somatic Abnormalities. Identifiers: Orphanet 769, MedGen C0271695, MONDO:0009874, OMIM 262190.

Submission:

Juno Genomics, Hangzhou Juno Genomics, Inc
Classification: Likely pathogenic for Leprechaunism syndrome; Insulin-resistant diabetes mellitus AND acanthosis nigricans; Hyperinsulinism due to INSR deficiency; Rabson-Mendenhall syndrome. Review status: criteria provided, single submitter. Criteria: ACMG Guidelines, 2015. Collection method: clinical testing. Allele origin: germline.
Comment: Null variant in a gene where loss of function (LOF) is a known mechanism of disease.;Absent from controls (or at extremely low frequency if recessive) in Genome Aggregation Database.

NM_000208.4(INSR):c.2314del (p.Val772fs)

Gene: INSR (insulin receptor; minus strand). Cytogenetic location: 19p13.2.
Variant type: Deletion.
Coding change: c.2314del on transcript NM_000208.4 (MANE Select); coding-DNA position 2314, one base deleted (G; older notation c.2314delG).
Protein change: p.Val772fs; shifts the reading frame from valine 772.
Molecular consequence: frameshift variant.
Genome position (GRCh38, 1-based): chr19:7,143,044, C deleted on the plus strand (G on the coding strand, the reverse complement: INSR is on the minus strand); the first of 2 consecutive C bases (chr19:7,143,044-7,143,045); deleting either gives the same sequence. VCF-style (leftmost placement, unchanged base first): chr19-7143043-AC-A. GRCh37 (hg19) VCF-style: chr19-7143054-AC-A.
Other names: c.2278del, p.Val760fs (NM_001079817.3); short protein forms V772fs, V760fs.
Identifiers: ClinVar variation 5006042 (VCV005006042.2).